The following is an entry in ClinVar:

ClinVar aggregate classification (germline): Uncertain significance. Review status: criteria provided, multiple submitters, no conflicts (2 of 4 stars). 2 submissions from 2 submitters: Uncertain significance (2). Last evaluated 2022-03-04.

Conditions:
Neuropathy, hereditary sensory and autonomic, type 2A (HSAN2A). Also called: ACROOSTEOLYSIS, GIACCAI TYPE; ACROOSTEOLYSIS, NEUROGENIC; MORVAN DISEASE; NEUROPATHY, CONGENITAL SENSORY; NEUROPATHY, HEREDITARY SENSORY RADICULAR, AUTOSOMAL RECESSIVE; NEUROPATHY, HEREDITARY SENSORY, TYPE IIA. Identifiers: Orphanet 970, MedGen C2752089, MONDO:0024309, OMIM 201300.
Pseudohypoaldosteronism type 2C (PHA2C). Also called: Pseudohypoaldosteronism Type IIC. Identifiers: Orphanet 757, Orphanet 88940, MedGen C1840391, MONDO:0013778, OMIM 614492.

Allele frequency attached by ClinVar (database versions not stated): gnomAD exomes 0.00001; TOPMed 0.00001; ExAC 0.00002; gnomAD 0.00002.
gnomAD v4.1: 22 of 1,596,578 alleles (0.0014%); highest among the groups gnomAD compares: Non-Finnish European, 0.0017%; no homozygotes.

Submissions (2):

Fulgent Genetics
Classification: Uncertain significance for Neuropathy, hereditary sensory and autonomic, type 2A; Pseudohypoaldosteronism type 2C. Last evaluated: 2022-03-04. Review status: criteria provided, single submitter. Criteria: ACMG Guidelines, 2015. Collection method: clinical testing. Allele origin: unknown.

Labcorp Genetics (formerly Invitae), Labcorp
Classification: Uncertain significance for Neuropathy, hereditary sensory and autonomic, type 2A; Pseudohypoaldosteronism type 2C. Last evaluated: 2021-01-13. Review status: criteria provided, single submitter. Criteria: Invitae Variant Classification Sherloc (09022015). Collection method: clinical testing. Allele origin: germline.
Comment: This sequence change replaces glutamine with arginine at codon 135 of the WNK1 protein (p.Gln135Arg). The glutamine residue is moderately conserved and there is a small physicochemical difference between glutamine and arginine. This variant is present in population databases (rs750301176, ExAC 0.003%). This variant has not been reported in the literature in individuals with WNK1-related conditions. Advanced modeling of protein sequence and biophysical properties (such as structural, functional, and spatial information, amino acid conservation, physicochemical variation, residue mobility, and thermodynamic stability) performed at Invitae indicates that this missense variant is not expected to disrupt WNK1 protein function. In summary, the available evidence is currently insufficient to determine the role of this variant in disease. Therefore, it has been classified as a Variant of Uncertain Significance.

NM_018979.4(WNK1):c.404A>G (p.Gln135Arg)

Gene: WNK1 (WNK lysine deficient protein kinase 1; plus strand). Cytogenetic location: 12p13.33.
Variant type: single nucleotide variant.
Coding change: c.404A>G on transcript NM_018979.4 (MANE Select); coding-DNA position 404, A replaced by G.
Protein change: p.Gln135Arg; replaces glutamine 135 with arginine.
Molecular consequence: missense variant.
Genome position (GRCh38, 1-based): chr12:753,969, A>G. VCF-style: chr12-753969-A-G. GRCh37 (hg19) VCF-style: chr12-863135-A-G.
Other names: c.404A>G, p.Gln135Arg (NM_001184985.2, NM_014823.3, NM_213655.5); short protein forms Q135R.
Identifiers: ClinVar variation 1420063 (VCV001420063.9), dbSNP rs750301176, ClinGen allele CA6381778.